The following is an entry in ClinVar:

ClinVar aggregate classification (germline): Conflicting classifications of pathogenicity. Review status: criteria provided, conflicting classifications (1 of 4 stars). 2 submissions from 2 submitters: Uncertain significance (1); Likely benign (1). Last evaluated 2025-03-19.

Conditions:
Pitt-Hopkins-like syndrome 2 (PTHSL2). Identifiers: Orphanet 221150, Orphanet 600663, MedGen C3280479, MONDO:0013690, OMIM 614325.

Allele frequency attached by ClinVar (database versions not stated): ExAC 0.00002; gnomAD exomes 0.00002 and 0.00004; gnomAD 0.00004 and 0.00005; TOPMed 0.00007.
gnomAD v4.1: 36 of 1,610,568 alleles (0.0022%); highest among the groups gnomAD compares: African/African-American, 0.0094%; no homozygotes.

Submissions (2):

Labcorp Genetics (formerly Invitae), Labcorp
Classification: Uncertain significance for Pitt-Hopkins-like syndrome 2. Last evaluated: 2025-03-19. Review status: criteria provided, single submitter. Criteria: Invitae Variant Classification Sherloc (09022015). Collection method: clinical testing. Allele origin: germline.
Comment: This sequence change replaces isoleucine, which is neutral and non-polar, with valine, which is neutral and non-polar, at codon 1068 of the NRXN1 protein (p.Ile1068Val). This variant is present in population databases (rs112638127, gnomAD 0.01%). This missense change has been observed in individual(s) with schizophrenia (PMID: 21288692). ClinVar contains an entry for this variant (Variation ID: 1000802). An algorithm developed to predict the effect of missense changes on protein structure and function (PolyPhen-2) suggests that this variant is likely to be tolerated. In summary, the available evidence is currently insufficient to determine the role of this variant in disease. Therefore, it has been classified as a Variant of Uncertain Significance.

GeneDx
Classification: Likely benign. Last evaluated: 2020-09-03. Review status: criteria provided, single submitter. Criteria: GeneDx Variant Classification Process June 2021. Collection method: clinical testing. Allele origin: germline. Affected: yes.
Comment: This variant is associated with the following publications: (PMID: 21288692)

Literature cited by the submitters: PubMed 21288692 (cited by Labcorp Genetics (formerly Invitae), Labcorp).

NM_001330078.2(NRXN1):c.3082A>G (p.Ile1028Val)

Gene: NRXN1 (neurexin 1; minus strand). Cytogenetic location: 2p16.3.
Variant type: single nucleotide variant.
Coding change: c.3082A>G on transcript NM_001330078.2 (MANE Select); coding-DNA position 3082, A replaced by G.
Protein change: p.Ile1028Val; replaces isoleucine 1028 with valine.
Molecular consequence: missense variant.
Genome position (GRCh38, 1-based): chr2:50,472,460, T>C on the plus strand (A>G on the coding strand, the complement: NRXN1 is on the minus strand). VCF-style: chr2-50472460-T-C. GRCh37 (hg19) VCF-style: chr2-50699598-T-C.
Other names: c.3070A>G, p.Ile1024Val (NM_001330094.2); c.3031A>G, p.Ile1011Val (NM_001330095.2); c.2971A>G, p.Ile991Val (NM_001330096.2, NM_001330087.2); c.3082A>G, p.Ile1028Val (NM_004801.6, NM_001330086.2); c.3202A>G, p.Ile1068Val (NM_001135659.3); c.3058A>G, p.Ile1020Val (NM_001330077.2, NM_001330082.2); c.3016A>G, p.Ile1006Val (NM_001330083.2, NM_001330084.2); c.3055A>G, p.Ile1019Val (NM_001330085.2); and 2 more; short protein forms I1001V, I1006V, I1011V, I1019V, I1020V, I1024V, I1027V, I1028V.
Identifiers: ClinVar variation 1000802 (VCV001000802.10), dbSNP rs112638127, ClinGen allele CA1654657.